The following is an entry in ClinVar:

ClinVar aggregate classification (germline): Uncertain significance (1 of 4 stars; one submission).

Allele frequency attached by ClinVar (database versions not stated): ExAC 0.00003; 1000 Genomes Project 0.00020; 1000 Genomes Project 30x 0.00031.

Submission:

Ambry Genetics
Classification: Uncertain significance. Last evaluated: 2023-12-25. Review status: criteria provided, single submitter. Criteria: Ambry Variant Classification Scheme 2023. Collection method: clinical testing. Allele origin: germline.
Comment: The p.N24K variant (also known as c.72T>G), located in coding exon 1 of the TMPO gene, results from a T to G substitution at nucleotide position 72. The asparagine at codon 24 is replaced by lysine, an amino acid with similar properties. This amino acid position is conserved. In addition, this alteration is predicted to be tolerated by in silico analysis. Since supporting evidence is limited at this time, the clinical significance of this alteration remains unclear.

NM_001032283.3(TMPO):c.72T>G (p.Asn24Lys)

Genes: TMPO (thymopoietin; plus strand), TMPO-AS1 (TMPO antisense RNA 1; minus strand). Cytogenetic location: 12q23.1.
Variant type: single nucleotide variant.
Coding change: c.72T>G on transcript NM_001032283.3 (MANE Select); coding-DNA position 72, T replaced by G.
Protein change: p.Asn24Lys; replaces asparagine 24 with lysine.
Molecular consequence: missense variant.
Genome position (GRCh38, 1-based): chr12:98,515,939, T>G. VCF-style: chr12-98515939-T-G. GRCh37 (hg19) VCF-style: chr12-98909717-T-G.
Other names: c.72T>G, p.Asn24Lys (NM_001032284.3, NM_001307975.2, NM_003276.2); short protein forms N24K.
Identifiers: ClinVar variation 3223182 (VCV003223182.1), dbSNP rs201960762, ClinGen allele CA6732099.